The following is an entry in ClinVar:

ClinVar aggregate classification (germline): Uncertain significance. Review status: criteria provided, multiple submitters, no conflicts (2 of 4 stars). 9 submissions from 5 submitters: Uncertain significance (8). 1 of the submissions does not count toward it. Last evaluated 2025-08-26.

Conditions:
Diastrophic dysplasia (DTD). Also called: Diastrophic dwarfism. Identifiers: Orphanet 628, MedGen C0220726, MONDO:0009107, OMIM 222600.
Multiple epiphyseal dysplasia type 4 (EDM4). Also called: SLC26A2-Related Multiple Epiphyseal Dysplasia; MULTIPLE EPIPHYSEAL DYSPLASIA WITH BILAYERED PATELLAE; MULTIPLE EPIPHYSEAL DYSPLASIA WITH CLUBFOOT; MULTIPLE EPIPHYSEAL DYSPLASIA, AUTOSOMAL RECESSIVE; Multiple Epiphyseal Dysplasia, Recessive. Identifiers: Orphanet 93307, MedGen C1847593, MONDO:0009189, OMIM 226900.
Atelosteogenesis type II (AO2). Also called: Neonatal osseous dysplasia 1; NEONATAL OSSEOUS DYSPLASIA I; SLC26A2-Related Atelosteogenesis. Identifiers: Orphanet 56304, MedGen C1850554, MONDO:0009727, OMIM 256050.
Achondrogenesis, type IB (ACG1B). Also called: Achondrogenesis Type 1B. Identifiers: Orphanet 932, Orphanet 93298, MedGen C0265274, MONDO:0010966, OMIM 600972.
Inborn genetic diseases. Identifiers: MedGen C0950123, MeSH D030342.
Sulfate transporter-related osteochondrodysplasia. Also called: DTDST-related dysplasias. Identifiers: MedGen CN120497. Disease mechanism: loss of function.

Allele frequency attached by ClinVar (database versions not stated): gnomAD exomes 0.00007; ExAC 0.00008; gnomAD 0.00011; TOPMed 0.00013; ESP Exome Variant Server 0.00015; 1000 Genomes Project 30x 0.00031; 1000 Genomes Project 0.00040.
gnomAD v4.1: 123 of 1,614,100 alleles (0.0076%); highest among the groups gnomAD compares: East Asian, 0.013%; no homozygotes.

Submissions (9):

Ambry Genetics
Classification: Uncertain significance for Inborn genetic diseases. Last evaluated: 2025-08-26. Review status: criteria provided, single submitter. Criteria: Ambry Variant Classification Scheme 2023. Collection method: clinical testing. Allele origin: germline.

Labcorp Genetics (formerly Invitae), Labcorp
Classification: Uncertain significance for Atelosteogenesis type II; Multiple epiphyseal dysplasia type 4; Achondrogenesis, type IB; Diastrophic dysplasia. Last evaluated: 2024-10-22. Review status: criteria provided, single submitter. Criteria: Invitae Variant Classification Sherloc (09022015). Collection method: clinical testing. Allele origin: germline.
Comment: This sequence change replaces arginine, which is basic and polar, with cysteine, which is neutral and slightly polar, at codon 582 of the SLC26A2 protein (p.Arg582Cys). This variant is present in population databases (rs142542254, gnomAD 0.03%). This variant has not been reported in the literature in individuals affected with SLC26A2-related conditions. ClinVar contains an entry for this variant (Variation ID: 352028). Invitae Evidence Modeling of protein sequence and biophysical properties (such as structural, functional, and spatial information, amino acid conservation, physicochemical variation, residue mobility, and thermodynamic stability) has been performed for this missense variant. However, the output from this modeling did not meet the statistical confidence thresholds required to predict the impact of this variant on SLC26A2 protein function. In summary, the available evidence is currently insufficient to determine the role of this variant in disease. Therefore, it has been classified as a Variant of Uncertain Significance.

Illumina Laboratory Services, Illumina
Classification: Uncertain significance for Multiple epiphyseal dysplasia type 4. Last evaluated: 2018-01-12. Review status: criteria provided, single submitter. Criteria: ICSL Variant Classification Criteria 13 December 2019. Collection method: clinical testing. Allele origin: germline.

Illumina Laboratory Services, Illumina
Classification: Uncertain significance for Diastrophic dysplasia. Last evaluated: 2018-01-12. Review status: criteria provided, single submitter. Criteria: ICSL Variant Classification Criteria 13 December 2019. Collection method: clinical testing. Allele origin: germline.

Illumina Laboratory Services, Illumina
Classification: Uncertain significance for Osteochondrodysplasia. Last evaluated: 2018-01-12. Review status: criteria provided, single submitter. Criteria: ICSL Variant Classification Criteria 13 December 2019. Collection method: clinical testing. Allele origin: germline.

Illumina Laboratory Services, Illumina
Classification: Uncertain significance for Achondrogenesis, type IB. Last evaluated: 2018-01-12. Review status: criteria provided, single submitter. Criteria: ICSL Variant Classification Criteria 13 December 2019. Collection method: clinical testing. Allele origin: germline.

Illumina Laboratory Services, Illumina
Classification: Uncertain significance for Atelosteogenesis type II. Last evaluated: 2018-01-12. Review status: criteria provided, single submitter. Criteria: ICSL Variant Classification Criteria 13 December 2019. Collection method: clinical testing. Allele origin: germline.

Juno Genomics, Hangzhou Juno Genomics, Inc
Classification: Uncertain significance for Achondrogenesis, type IB; Atelosteogenesis type II; Diastrophic dysplasia; Multiple epiphyseal dysplasia type 4. Review status: criteria provided, single submitter. Criteria: ACMG Guidelines, 2015. Collection method: clinical testing. Allele origin: germline.
Comment: Absent from controls (or at extremely low frequency if recessive) in Genome Aggregation Database.;Multiple lines of computational evidence support a deleterious effect on the gene or gene product.

Natera, Inc.
Classification: Uncertain significance for Achondrogenesis type IB. Last evaluated: 2020-01-17. Review status: no assertion criteria provided. Collection method: clinical testing. Allele origin: germline. Not counted in ClinVar's aggregate classification.

NM_000112.4(SLC26A2):c.1744C>T (p.Arg582Cys)

Gene: SLC26A2 (solute carrier family 26 member 2; plus strand). Cytogenetic location: 5q32.
Variant type: single nucleotide variant.
Coding change: c.1744C>T on transcript NM_000112.4 (MANE Select); coding-DNA position 1744, C replaced by T.
Protein change: p.Arg582Cys; replaces arginine 582 with cysteine.
Molecular consequence: missense variant.
Genome position (GRCh38, 1-based): chr5:149,981,337, C>T. VCF-style: chr5-149981337-C-T. GRCh37 (hg19) VCF-style: chr5-149360900-C-T.
Other names: short protein forms R582C.
Identifiers: ClinVar variation 352028 (VCV000352028.12), dbSNP rs142542254, ClinGen allele CA3505483.